The following is an entry in ClinVar:

ClinVar aggregate classification (germline): Uncertain significance. Review status: criteria provided, multiple submitters, no conflicts (2 of 4 stars). 2 submissions from 2 submitters: Uncertain significance (2). Last evaluated 2022-08-05.

Conditions:
Deficiency of 3-hydroxyacyl-CoA dehydrogenase. Also called: HADH DEFICIENCY; 3-hydroxyacyl-CoA dehydrogenase deficiency. Identifiers: Orphanet 309127, Orphanet 71212, MedGen C1291230, MONDO:0017715, OMIM 231530.

Submissions (2):

Labcorp Genetics (formerly Invitae), Labcorp
Classification: Uncertain significance for Deficiency of 3-hydroxyacyl-CoA dehydrogenase. Last evaluated: 2022-08-05. Review status: criteria provided, single submitter. Criteria: Invitae Variant Classification Sherloc (09022015). Collection method: clinical testing. Allele origin: germline.
Comment: This sequence change replaces proline, which is neutral and non-polar, with serine, which is neutral and polar, at codon 215 of the HADH protein (p.Pro215Ser). This variant is present in population databases (no rsID available, gnomAD 0.003%). This variant has not been reported in the literature in individuals affected with HADH-related conditions. ClinVar contains an entry for this variant (Variation ID: 1404529). Algorithms developed to predict the effect of missense changes on protein structure and function (SIFT, PolyPhen-2, Align-GVGD) all suggest that this variant is likely to be disruptive. In summary, the available evidence is currently insufficient to determine the role of this variant in disease. Therefore, it has been classified as a Variant of Uncertain Significance.

GeneDx
Classification: Uncertain significance. Last evaluated: 2022-02-09. Review status: criteria provided, single submitter. Criteria: GeneDx Variant Classification Process June 2021. Collection method: clinical testing. Allele origin: germline. Affected: yes.
Comment: Not observed at significant frequency in large population cohorts (gnomAD); In silico analysis supports that this missense variant has a deleterious effect on protein structure/function; Has not been previously published as pathogenic or benign to our knowledge

NM_005327.7(HADH):c.643C>T (p.Pro215Ser)

Gene: HADH (hydroxyacyl-CoA dehydrogenase; plus strand). Cytogenetic location: 4q25.
Variant type: single nucleotide variant.
Coding change: c.643C>T on transcript NM_005327.7 (MANE Select); coding-DNA position 643, C replaced by T.
Protein change: p.Pro215Ser; replaces proline 215 with serine.
Molecular consequence: missense variant.
Genome position (GRCh38, 1-based): chr4:108,027,694, C>T. VCF-style: chr4-108027694-C-T. GRCh37 (hg19) VCF-style: chr4-108948850-C-T.
Other names: c.643C>T, p.Pro215Ser (NM_001184705.4); c.655C>T, p.Pro219Ser (NM_001331027.2); short protein forms P215S, P219S.
Identifiers: ClinVar variation 1404529 (VCV001404529.4), dbSNP rs140413151, ClinGen allele CA102880070.